The following is an entry in ClinVar:

ClinVar aggregate classification (germline): Uncertain significance (1 of 4 stars; one submission).

Conditions:
Hereditary cancer-predisposing syndrome. Also called: Neoplastic Syndromes, Hereditary; Tumor predisposition; Hereditary Cancer Syndrome; Hereditary neoplastic syndrome. Identifiers: Orphanet 140162, MedGen C0027672, MeSH D009386, MONDO:0015356.

Allele frequency attached by ClinVar (database versions not stated): ExAC 0.00001.
gnomAD v4.1: 1 of 1,613,988 alleles (0.000062%); highest among the groups gnomAD compares: Non-Finnish European, 0.000085%; no homozygotes.

Submission:

Ambry Genetics
Classification: Uncertain significance for Hereditary cancer-predisposing syndrome. Last evaluated: 2022-05-05. Review status: criteria provided, single submitter. Criteria: Ambry Variant Classification Scheme 2023. Collection method: clinical testing. Allele origin: germline.
Comment: The p.Y568F variant (also known as c.1703A>T), located in coding exon 11 of the KIT gene, results from an A to T substitution at nucleotide position 1703. The tyrosine at codon 568 is replaced by phenylalanine, an amino acid with highly similar properties. This amino acid position is highly conserved in available vertebrate species. In addition, this alteration is predicted to be deleterious by in silico analysis. Since supporting evidence is limited at this time, the clinical significance of this alteration remains unclear.

NM_000222.3(KIT):c.1703A>T (p.Tyr568Phe)

Gene: KIT (KIT proto-oncogene, receptor tyrosine kinase; plus strand). Cytogenetic location: 4q12.
Variant type: single nucleotide variant.
Coding change: c.1703A>T on transcript NM_000222.3 (MANE Select); coding-DNA position 1703, A replaced by T.
Protein change: p.Tyr568Phe; replaces tyrosine 568 with phenylalanine.
Molecular consequence: missense variant.
Genome position (GRCh38, 1-based): chr4:54,727,471, A>T. VCF-style: chr4-54727471-A-T. GRCh37 (hg19) VCF-style: chr4-55593637-A-T.
Other names: c.1694A>T, p.Tyr565Phe (NM_001385292.1, NM_001385288.1); c.1691A>T, p.Tyr564Phe (NM_001093772.2, NM_001385286.1); c.1706A>T, p.Tyr569Phe (NM_001385284.1, NM_001385290.1); c.1703A>T, p.Tyr568Phe (NM_001385285.1); short protein forms Y564F, Y565F, Y569F, Y568F.
Identifiers: ClinVar variation 1778390 (VCV001778390.2), dbSNP rs749851557, ClinGen allele CA2923562.